The following is an entry in ClinVar:

ClinVar aggregate classification (germline): Conflicting classifications of pathogenicity. Review status: criteria provided, conflicting classifications (1 of 4 stars). 5 submissions from 5 submitters: Uncertain significance (3); Likely benign (2). Last evaluated 2025-09-15.

Conditions:
Hereditary cancer-predisposing syndrome. Also called: Tumor predisposition; Hereditary neoplastic syndrome; Neoplastic Syndromes, Hereditary; Hereditary Cancer Syndrome. Identifiers: Orphanet 140162, MedGen C0027672, MeSH D009386, MONDO:0015356.
Ataxia-telangiectasia syndrome (AT). Also called: Ataxia-telangiectasia, complementation group D; AT, COMPLEMENTATION GROUP C; ATAXIA-TELANGIECTASIA, COMPLEMENTATION GROUP A; ATAXIA-TELANGIECTASIA, FRESNO VARIANT; Ataxia-telangiectasia; LOUIS-BAR SYNDROME. Identifiers: Orphanet 100, MedGen C0004135, MONDO:0008840, OMIM 208900.

Allele frequency attached by ClinVar (database versions not stated): TOPMed 0.00001.

Submissions (5):

Ambry Genetics
Classification: Likely benign for Hereditary cancer-predisposing syndrome. Last evaluated: 2025-09-15. Review status: criteria provided, single submitter. Criteria: Ambry Variant Classification Scheme 2023. Collection method: clinical testing. Allele origin: germline.

Labcorp Genetics (formerly Invitae), Labcorp
Classification: Likely benign for Ataxia-telangiectasia syndrome. Last evaluated: 2025-08-10. Review status: criteria provided, single submitter. Criteria: Invitae Variant Classification Sherloc (09022015). Collection method: clinical testing. Allele origin: germline.

Color Diagnostics, LLC DBA Color Health
Classification: Uncertain significance for Hereditary cancer-predisposing syndrome. Last evaluated: 2024-11-14. Review status: criteria provided, single submitter. Criteria: ACMG Guidelines, 2015. Collection method: clinical testing. Allele origin: germline.
Comment: This variant causes a T to G nucleotide substitution at the +4 position of intron 47/62 of the ATM gene. To our knowledge, RNA studies have not been reported for this variant. This variant has not been reported in individuals affected with ATM-related disorders in the literature. This variant has not been identified in the general population by the Genome Aggregation Database (gnomAD). The available evidence is insufficient to determine the role of this variant in disease conclusively. Therefore, this variant is classified as a Variant of Uncertain Significance.

Athena Diagnostics
Classification: Uncertain significance. Last evaluated: 2023-05-17. Review status: criteria provided, single submitter. Criteria: Athena Diagnostics Criteria. Collection method: clinical testing. Allele origin: unknown.
Comment: Available data are insufficient to determine the clinical significance of the variant at this time. This variant has not been reported in large, multi-ethnic general populations. Computational tools yielded inconclusive predictions regarding the effect of this variant on RNA splicing.

Women's Health and Genetics/Laboratory Corporation of America, LabCorp
Classification: Uncertain significance. Last evaluated: 2023-02-06. Review status: criteria provided, single submitter. Criteria: LabCorp Variant Classification Summary - May 2015. Collection method: clinical testing. Allele origin: germline.

NM_000051.4(ATM):c.6975+4T>G

Genes: ATM (ATM serine/threonine kinase; plus strand), C11orf65 (chromosome 11 open reading frame 65; minus strand). Cytogenetic location: 11q22.3.
Variant type: single nucleotide variant.
Coding change: c.6975+4T>G on transcript NM_000051.4 (MANE Select); 4 bases into the intron after coding-DNA position 6975, T replaced by G.
Molecular consequence: intron variant.
Genome position (GRCh38, 1-based): chr11:108,326,229, T>G. VCF-style: chr11-108326229-T-G. GRCh37 (hg19) VCF-style: chr11-108196956-T-G.
Other names: c.6975+4T>G (NM_001351834.2); c.641-17158A>C (NM_001330368.2); c.*38+8991A>C (NM_001351110.2).
Identifiers: ClinVar variation 652774 (VCV000652774.16), dbSNP rs876660240, ClinGen allele CA915947670.